The following is an entry in ClinVar:

NM_001242896.3(DEPDC5):c.422C>T (p.Ala141Val)

Gene: DEPDC5 (DEP domain containing 5, GATOR1 subcomplex subunit; plus strand). Cytogenetic location: 22q12.2.
Variant type: single nucleotide variant.
Coding change: c.422C>T on transcript NM_001242896.3 (MANE Select); coding-DNA position 422, C replaced by T.
Protein change: p.Ala141Val; replaces alanine 141 with valine.
Molecular consequence: missense variant. On other transcripts: non-coding transcript variant (5).
Genome position (GRCh38, 1-based): chr22:31,778,107, C>T. VCF-style: chr22-31778107-C-T. GRCh37 (hg19) VCF-style: chr22-32174093-C-T.
Other names: c.422C>T, p.Ala141Val (NM_001007188.4, NM_001136029.4, NM_001242897.2 and 7 more transcripts); c.338C>T, p.Ala113Val (NM_001369901.1, NM_001369902.1); c.422C>T (NM_001242896.1); short protein forms A113V, A141V.
Identifiers: ClinVar variation 1988977 (VCV001988977.5), dbSNP rs898255146, ClinGen allele CA323336171.

ClinVar aggregate classification (germline): Uncertain significance. Review status: criteria provided, multiple submitters, no conflicts (2 of 4 stars). 2 submissions from 2 submitters: Uncertain significance (2). Last evaluated 2024-12-27.

Conditions:
Familial focal epilepsy with variable foci (FPEVF). Identifiers: Orphanet 98820, MedGen C1858477, MONDO:0020310.

Allele frequency attached by ClinVar (database versions not stated): gnomAD exomes below 0.00001; TOPMed below 0.00001; gnomAD 0.00001.
gnomAD v4.1: 2 of 1,614,140 alleles (0.00012%); highest among the groups gnomAD compares: Admixed American, 0.0017%; no homozygotes.

Submissions (2):

GeneDx
Classification: Uncertain significance. Last evaluated: 2024-12-27. Review status: criteria provided, single submitter. Criteria: GeneDx Variant Classification Process June 2021. Collection method: clinical testing. Allele origin: germline. Affected: yes.
Comment: Not observed at significant frequency in large population cohorts (gnomAD); In silico analysis indicates that this missense variant does not alter protein structure/function; Has not been previously published as pathogenic or benign to our knowledge

Labcorp Genetics (formerly Invitae), Labcorp
Classification: Uncertain significance for Familial focal epilepsy with variable foci. Last evaluated: 2022-10-03. Review status: criteria provided, single submitter. Criteria: Invitae Variant Classification Sherloc (09022015). Collection method: clinical testing. Allele origin: germline.
Comment: This sequence change replaces alanine, which is neutral and non-polar, with valine, which is neutral and non-polar, at codon 141 of the DEPDC5 protein (p.Ala141Val). This variant is not present in population databases (gnomAD no frequency). This variant has not been reported in the literature in individuals affected with DEPDC5-related conditions. Algorithms developed to predict the effect of missense changes on protein structure and function are either unavailable or do not agree on the potential impact of this missense change (SIFT: "Tolerated"; PolyPhen-2: "Not Available"; Align-GVGD: "Class C0"). In summary, the available evidence is currently insufficient to determine the role of this variant in disease. Therefore, it has been classified as a Variant of Uncertain Significance.